The following is an entry in ClinVar:

ClinVar aggregate classification (germline): Uncertain significance. Review status: criteria provided, multiple submitters, no conflicts (2 of 4 stars). 4 submissions from 4 submitters: Uncertain significance (4). Last evaluated 2025-10-10.

Conditions:
Inborn genetic diseases. Identifiers: MedGen C0950123, MeSH D030342.
Arginine:glycine amidinotransferase deficiency (CCDS3). Also called: AGAT deficiency; L-Arginine:Glycine Amidinotransferase (AGAT) Deficiency; Cerebral creatine deficiency syndrome 3; L-Arginine:Glycine Amidinotransferase Deficiency; Creatine deficiency syndrome due to AGAT deficiency; GATM deficiency. Identifiers: Orphanet 35704, MedGen C2675179, MONDO:0012996, OMIM 612718.

Allele frequency attached by ClinVar (database versions not stated): gnomAD 0.00001; gnomAD exomes 0.00001; TOPMed 0.00001.

Submissions (4):

Labcorp Genetics (formerly Invitae), Labcorp
Classification: Uncertain significance for Arginine:glycine amidinotransferase deficiency. Last evaluated: 2025-10-10. Review status: criteria provided, single submitter. Criteria: Invitae Variant Classification Sherloc (09022015). Collection method: clinical testing. Allele origin: germline.
Comment: This sequence change replaces arginine, which is basic and polar, with glycine, which is neutral and non-polar, at codon 3 of the GATM protein (p.Arg3Gly). The frequency data for this variant in the population databases is considered unreliable, as metrics indicate poor data quality at this position in the gnomAD database. This variant has not been reported in the literature in individuals affected with GATM-related conditions. ClinVar contains an entry for this variant (Variation ID: 205621). Invitae Evidence Modeling of protein sequence and biophysical properties (such as structural, functional, and spatial information, amino acid conservation, physicochemical variation, residue mobility, and thermodynamic stability) indicates that this missense variant is not expected to disrupt GATM protein function with a negative predictive value of 95%. In summary, the available evidence is currently insufficient to determine the role of this variant in disease. Therefore, it has been classified as a Variant of Uncertain Significance.

Ambry Genetics
Classification: Uncertain significance for Inborn genetic diseases. Last evaluated: 2025-08-05. Review status: criteria provided, single submitter. Criteria: Ambry Variant Classification Scheme 2023. Collection method: clinical testing. Allele origin: germline.

Mayo Clinic Laboratories, Mayo Clinic
Classification: Uncertain significance. Last evaluated: 2020-02-10. Review status: criteria provided, single submitter. Criteria: ACMG Guidelines, 2015. Collection method: clinical testing. Allele origin: germline. Observed: 1 variant allele.

GeneDx
Classification: Uncertain significance. Last evaluated: 2012-09-17. Review status: criteria provided, single submitter. Criteria: GeneDx Variant Classification (06012015). Collection method: clinical testing. Allele origin: germline. Affected: yes.
Comment: p.Arg3Gly (CGG>GGG):c.7 C>G in exon 1 of the GATM gene (NM_001482.2). The Arg3Gly missense change has not been published as a mutation, nor has it been reported as a benign polymorphism to our knowledge. The NHLBI ESP Exome Variant Project has not identified Arg3Gly in approximately 4,900 individuals of European or African American ethnicity, indicating that it is not a common benign variant in these populations. The amino acid substitution is non-conservative, as a positively charged Arginine residue is replaced by an uncharged, non-polar Glycine residue. Arg3Gly alters a highly conserved position in the transit peptide; however, no mutations have been reported in this region of the protein to our knowledge. A few in silico models predict Arg3Gly may be damaging to protein structure/function, however other models suggest that it may be benign. Therefore, based on the currently available information, it is unclear whether Arg3Gly is a disease-causing mutation or a rare benign variant. The variant is found in EPILEPSY panel(s).

NM_001482.3(GATM):c.7C>G (p.Arg3Gly)

Genes: GATM (glycine amidinotransferase; minus strand), LOC130056991 (ATAC-STARR-seq lymphoblastoid silent region 6406; plus strand). Cytogenetic location: 15q21.1.
Variant type: single nucleotide variant.
Coding change: c.7C>G on transcript NM_001482.3 (MANE Select); coding-DNA position 7, C replaced by G.
Protein change: p.Arg3Gly; replaces arginine 3 with glycine.
Molecular consequence: missense variant. On other transcripts: intron variant (1).
Genome position (GRCh38, 1-based): chr15:45,378,447, G>C on the plus strand (C>G on the coding strand, the complement: GATM is on the minus strand). VCF-style: chr15-45378447-G-C. GRCh37 (hg19) VCF-style: chr15-45670645-G-C.
Other names: p.R3G:CGG>GGG; c.-318-1628C>G (NM_001321015.2); short protein forms R3G.
Identifiers: ClinVar variation 205621 (VCV000205621.16), dbSNP rs796052538, ClinGen allele CA314884.